The following is an entry in ClinVar:

NM_016532.4(INPP5K):c.51C>T (p.His17=)

Gene: INPP5K (inositol polyphosphate-5-phosphatase K; minus strand). Cytogenetic location: 17p13.3.
Variant type: single nucleotide variant.
Coding change: c.51C>T on transcript NM_016532.4 (MANE Select); coding-DNA position 51, C replaced by T.
Protein change: p.His17=; no amino-acid change (histidine 17 retained).
Molecular consequence: synonymous variant. On other transcripts: 5 prime UTR variant (2).
Genome position (GRCh38, 1-based): chr17:1,513,973, G>A on the plus strand (C>T on the coding strand, the complement: INPP5K is on the minus strand). VCF-style: chr17-1513973-G-A. GRCh37 (hg19) VCF-style: chr17-1417267-G-A.
Other names: p.His17=; c.-178C>T (NM_001135642.2, NM_130766.3).
Identifiers: ClinVar variation 714853 (VCV000714853.35), dbSNP rs143400742, ClinGen allele CA8268729.
Genomic context (GRCh38, chr17:1,513,973, plus strand): 5'-CTGAAGCAGGTCACTGAGATCTAGAGGGGGCGCTGCCGAAGCCACGTTCCAAGTCACGAC[G>A]TGTATGCTGCGGAAGGGATGCAGAGGGAAGTCATGGAGGAAGGAGGATAAGATAGTGCAC-3'
Protein context (NP_057616.2, residues 7-27): SGPKGRRLSI[His17=]VVTWNVASAA

ClinVar aggregate classification (germline): Benign/Likely benign. Review status: criteria provided, multiple submitters, no conflicts (2 of 4 stars). 5 submissions from 5 submitters: Benign (3); Likely benign (2). Last evaluated 2026-08-01.

Allele frequency attached by ClinVar (database versions not stated): gnomAD exomes 0.00037 and 0.00086; ExAC 0.00099; 1000 Genomes Project 0.00260; 1000 Genomes Project 30x 0.00265; gnomAD 0.00340 and 0.00360; ESP Exome Variant Server 0.00400; TOPMed 0.00403.
gnomAD v4.1: 1,083 of 1,609,114 alleles (0.067%); highest among the groups gnomAD compares: African/African-American, 1.2%; 8 homozygotes.

Submissions (5):

CeGaT Center for Human Genetics Tuebingen
Classification: Likely benign. Last evaluated: 2026-08-01. Review status: criteria provided, single submitter. Criteria: CeGaT Center For Human Genetics Tuebingen Variant Classification Criteria Version 2. Collection method: clinical testing. Allele origin: germline. Affected: yes. Observed: 3 variant alleles.
Comment: INPP5K: BP4, BP7, BS1

Blueprint Genetics
Classification: Likely benign. Last evaluated: 2024-11-01. Review status: criteria provided, single submitter. Criteria: ACMG Guidelines, 2015. Collection method: clinical testing. Allele origin: germline.

Mayo Clinic Laboratories, Mayo Clinic
Classification: Benign. Last evaluated: 2024-04-03. Review status: criteria provided, single submitter. Criteria: ACMG Guidelines, 2015. Collection method: clinical testing. Allele origin: germline. Observed: 3 variant alleles.
Comment: BA1, BP4, BP7

Labcorp Genetics (formerly Invitae), Labcorp
Classification: Benign. Last evaluated: 2019-12-31. Review status: criteria provided, single submitter. Criteria: Invitae Variant Classification Sherloc (09022015). Collection method: clinical testing. Allele origin: germline.

Breakthrough Genomics
Classification: Benign. Review status: criteria provided, single submitter. Criteria: ACMG Guidelines, 2015. Collection method: not provided. Allele origin: germline. Inheritance: Autosomal recessive inheritance. Affected: yes.